The following is an entry in ClinVar:

NM_133259.4(LRPPRC):c.2020G>A (p.Glu674Lys)

Gene: LRPPRC (leucine rich pentatricopeptide repeat containing; minus strand). Cytogenetic location: 2p21.
Variant type: single nucleotide variant.
Coding change: c.2020G>A on transcript NM_133259.4 (MANE Select); coding-DNA position 2020, G replaced by A.
Protein change: p.Glu674Lys; replaces glutamic acid 674 with lysine.
Molecular consequence: missense variant.
Genome position (GRCh38, 1-based): chr2:43,947,316, C>T on the plus strand (G>A on the coding strand, the complement: LRPPRC is on the minus strand). VCF-style: chr2-43947316-C-T. GRCh37 (hg19) VCF-style: chr2-44174455-C-T.
Other names: p.E674K:GAA>AAA; short protein forms E674K.
Identifiers: ClinVar variation 214608 (VCV000214608.51), dbSNP rs149243712, ClinGen allele CA323515.

ClinVar aggregate classification (germline): Conflicting classifications of pathogenicity. Review status: criteria provided, conflicting classifications (1 of 4 stars). 9 submissions from 9 submitters: Uncertain significance (2); Likely benign (4). 3 of the submissions do not count toward it. Last evaluated 2026-06-01.

Conditions:
Inborn genetic diseases. Identifiers: MedGen C0950123, MeSH D030342.
Congenital lactic acidosis, Saguenay-Lac-Saint-Jean type (MC4DN5). Also called: MITOCHONDRIAL COMPLEX IV DEFICIENCY, NUCLEAR TYPE 5; CYTOCHROME c OXIDASE DEFICIENCY, FRENCH CANADIAN TYPE; COX DEFICIENCY, FRENCH CANADIAN TYPE. Identifiers: Orphanet 70472, MedGen C1857355, MONDO:0009069, OMIM 220111.

Allele frequency attached by ClinVar (database versions not stated): 1000 Genomes Project 30x 0.00016; 1000 Genomes Project 0.00020; ESP Exome Variant Server 0.00023; gnomAD 0.00039 and 0.00042; gnomAD exomes 0.00040 and 0.00054; TOPMed 0.00043; ExAC 0.00047.
gnomAD v4.1: 667 of 1,607,790 alleles (0.041%); highest among the groups gnomAD compares: Middle Eastern, 1.3%; 5 homozygotes.

Submissions (9):

CeGaT Center for Human Genetics Tuebingen
Classification: Likely benign. Last evaluated: 2026-06-01. Review status: criteria provided, single submitter. Criteria: CeGaT Center For Human Genetics Tuebingen Variant Classification Criteria Version 2. Collection method: clinical testing. Allele origin: germline. Affected: yes. Observed: 4 variant alleles.
Comment: LRPPRC: BP4

Blueprint Genetics
Classification: Likely benign. Last evaluated: 2024-11-07. Review status: criteria provided, single submitter. Criteria: ACMG Guidelines, 2015. Collection method: clinical testing. Allele origin: germline.

Labcorp Genetics (formerly Invitae), Labcorp
Classification: Uncertain significance. Last evaluated: 2022-10-17. Review status: criteria provided, single submitter. Criteria: Invitae Variant Classification Sherloc (09022015). Collection method: clinical testing. Allele origin: germline.
Comment: This sequence change replaces glutamic acid, which is acidic and polar, with lysine, which is basic and polar, at codon 674 of the LRPPRC protein (p.Glu674Lys). This variant is present in population databases (rs149243712, gnomAD 0.1%), and has an allele count higher than expected for a pathogenic variant. This variant has not been reported in the literature in individuals affected with LRPPRC-related conditions. ClinVar contains an entry for this variant (Variation ID: 214608). Advanced modeling of protein sequence and biophysical properties (such as structural, functional, and spatial information, amino acid conservation, physicochemical variation, residue mobility, and thermodynamic stability) performed at Invitae indicates that this missense variant is not expected to disrupt LRPPRC protein function. In summary, the available evidence is currently insufficient to determine the role of this variant in disease. Therefore, it has been classified as a Variant of Uncertain Significance.

Ambry Genetics
Classification: Likely benign for Inborn genetic diseases. Last evaluated: 2021-09-16. Review status: criteria provided, single submitter. Criteria: Ambry Variant Classification Scheme 2023. Collection method: clinical testing. Allele origin: germline.

GeneDx
Classification: Likely benign. Last evaluated: 2020-06-18. Review status: criteria provided, single submitter. Criteria: GeneDx Variant Classification Process June 2021. Collection method: clinical testing. Allele origin: germline. Affected: yes.

Illumina Laboratory Services, Illumina
Classification: Uncertain significance for Congenital lactic acidosis, Saguenay-Lac-Saint-Jean type. Last evaluated: 2017-04-27. Review status: criteria provided, single submitter. Criteria: ICSL Variant Classification Criteria 13 December 2019. Collection method: clinical testing. Allele origin: germline.

Natera, Inc.
Classification: Uncertain significance for French-Canadian type Leigh syndrome. Last evaluated: 2019-10-28. Review status: no assertion criteria provided. Collection method: clinical testing. Allele origin: germline. Not counted in ClinVar's aggregate classification.

Clinical Genetics DNA and cytogenetics Diagnostics Lab, Erasmus MC, Erasmus Medical Center
Classification: Likely benign. Review status: no assertion criteria provided. Collection method: clinical testing. Allele origin: germline. Affected: yes. Study: VKGL Data-share Consensus. Not counted in ClinVar's aggregate classification.

Diagnostic Laboratory, Department of Genetics, University Medical Center Groningen
Classification: Likely benign. Review status: no assertion criteria provided. Collection method: clinical testing. Allele origin: germline. Affected: yes. Study: VKGL Data-share Consensus. Not counted in ClinVar's aggregate classification.